The following is an entry in ClinVar:

NM_032383.5(HPS3):c.1210C>T (p.Arg404Cys)

Gene: HPS3 (HPS3 biogenesis of lysosomal organelles complex 2 subunit 1; plus strand). Cytogenetic location: 3q24.
Variant type: single nucleotide variant.
Coding change: c.1210C>T on transcript NM_032383.5 (MANE Select); coding-DNA position 1210, C replaced by T.
Protein change: p.Arg404Cys; replaces arginine 404 with cysteine.
Molecular consequence: missense variant.
Genome position (GRCh38, 1-based): chr3:149,150,645, C>T. VCF-style: chr3-149150645-C-T. GRCh37 (hg19) VCF-style: chr3-148868432-C-T.
Other names: c.715C>T, p.Arg239Cys (NM_001308258.2); short protein forms R404C, R239C.
Identifiers: ClinVar variation 2082551 (VCV002082551.1), dbSNP rs935052337, ClinGen allele CA85501972.
Genomic context (GRCh38, chr3:149,150,645, plus strand): 5'-GTCTTCCTCCTCAGTAACAACCTGCAGTGTTTCACTGTGCGGTGCAGTGCGGCGGCAGCT[C>T]GTGAGGAGGACCCGTACATGGACACCACCCTGAAGGTAAGAACTGGCTTATGAAGATAGT-3'
Protein context (NP_115759.2, residues 394-414): FTVRCSAAAA[Arg404Cys]EEDPYMDTTL

ClinVar aggregate classification (germline): Uncertain significance (1 of 4 stars; one submission).

Allele frequency attached by ClinVar (database versions not stated): gnomAD exomes 0.00001; gnomAD 0.00003; TOPMed 0.00011.

Submission:

Labcorp Genetics (formerly Invitae), Labcorp
Classification: Uncertain significance. Last evaluated: 2022-03-19. Review status: criteria provided, single submitter. Criteria: Invitae Variant Classification Sherloc (09022015). Collection method: clinical testing. Allele origin: germline.
Comment: This sequence change replaces arginine, which is basic and polar, with cysteine, which is neutral and slightly polar, at codon 404 of the HPS3 protein (p.Arg404Cys). This variant is present in population databases (no rsID available, gnomAD 0.006%). This variant has not been reported in the literature in individuals affected with HPS3-related conditions. Algorithms developed to predict the effect of missense changes on protein structure and function are either unavailable or do not agree on the potential impact of this missense change (SIFT: "Deleterious"; PolyPhen-2: "Possibly Damaging"; Align-GVGD: "Class C0"). In summary, the available evidence is currently insufficient to determine the role of this variant in disease. Therefore, it has been classified as a Variant of Uncertain Significance.